The following is an entry in ClinVar:

ClinVar aggregate classification (germline): Pathogenic (1 of 4 stars; one submission).

Submission:

Labcorp Genetics (formerly Invitae), Labcorp
Classification: Pathogenic. Last evaluated: 2022-09-26. Review status: criteria provided, single submitter. Criteria: Invitae Variant Classification Sherloc (09022015). Collection method: clinical testing. Allele origin: germline.
Comment: For these reasons, this variant has been classified as Pathogenic. Algorithms developed to predict the effect of sequence changes on RNA splicing suggest that this variant may create or strengthen a splice site. ClinVar contains an entry for this variant (Variation ID: 962993). This variant has not been reported in the literature in individuals affected with CHM-related conditions. This variant is not present in population databases (gnomAD no frequency). This sequence change creates a premature translational stop signal (p.Gln451*) in the CHM gene. It is expected to result in an absent or disrupted protein product. Loss-of-function variants in CHM are known to be pathogenic (PMID: 9067750, 23811034).

Literature cited by the submitters: PubMed 9067750; PubMed 23811034.

NM_000390.4(CHM):c.1351C>T (p.Gln451Ter)

Gene: CHM (CHM Rab escort protein; minus strand). Cytogenetic location: Xq21.2.
Variant type: single nucleotide variant.
Coding change: c.1351C>T on transcript NM_000390.4 (MANE Select); coding-DNA position 1351, C replaced by T.
Protein change: p.Gln451Ter; replaces glutamine 451 with a stop codon.
Molecular consequence: nonsense.
Genome position (GRCh38, 1-based): chrX:85,900,708, G>A on the plus strand (C>T on the coding strand, the complement: CHM is on the minus strand). VCF-style: chrX-85900708-G-A. GRCh37 (hg19) VCF-style: chrX-85155713-G-A.
Other names: c.907C>T, p.Gln303Ter (NM_001320959.1, NM_001362517.1, NM_001362518.2 and 1 more transcripts); short protein forms Q303*, Q451*.
Identifiers: ClinVar variation 962993 (VCV000962993.7), dbSNP rs1603244482, ClinGen allele CA413789456.